The following is an entry in ClinVar:

ClinVar aggregate classification (germline): Uncertain significance (1 of 4 stars; one submission).

Allele frequency attached by ClinVar (database versions not stated): gnomAD exomes below 0.00001; ExAC 0.00001.
gnomAD v4.1: 2 of 1,613,038 alleles (0.00012%); highest among the groups gnomAD compares: Non-Finnish European, 0.00017%; no homozygotes.

Submission:

Ambry Genetics
Classification: Uncertain significance. Last evaluated: 2021-11-28. Review status: criteria provided, single submitter. Criteria: Ambry Variant Classification Scheme 2023. Collection method: clinical testing. Allele origin: germline.
Comment: The p.P1132S variant (also known as c.3394C>T), located in coding exon 21 of the MYOM1 gene, results from a C to T substitution at nucleotide position 3394. The proline at codon 1132 is replaced by serine, an amino acid with similar properties. This amino acid position is conserved. In addition, this alteration is predicted to be tolerated by in silico analysis. Since supporting evidence is limited at this time, the clinical significance of this alteration remains unclear.

NM_003803.4(MYOM1):c.3394C>T (p.Pro1132Ser)

Gene: MYOM1 (myomesin 1; minus strand). Cytogenetic location: 18p11.31.
Variant type: single nucleotide variant.
Coding change: c.3394C>T on transcript NM_003803.4 (MANE Select); coding-DNA position 3394, C replaced by T.
Protein change: p.Pro1132Ser; replaces proline 1132 with serine.
Molecular consequence: missense variant.
Genome position (GRCh38, 1-based): chr18:3,112,322, G>A on the plus strand (C>T on the coding strand, the complement: MYOM1 is on the minus strand). VCF-style: chr18-3112322-G-A. GRCh37 (hg19) VCF-style: chr18-3112320-G-A.
Other names: c.3106C>T, p.Pro1036Ser (NM_019856.2); short protein forms P1132S, P1036S.
Identifiers: ClinVar variation 1730936 (VCV001730936.2), dbSNP rs773796006, ClinGen allele CA8874315.